The following is an entry in ClinVar:

NM_001378743.1(CYLD):c.1840_1843del (p.Ser614fs)

Genes: CYLD (CYLD lysine 63 deubiquitinase; plus strand), CYLD-AS2 (CYLD antisense RNA 2; minus strand). Cytogenetic location: 16q12.1.
Variant type: Deletion.
Coding change: c.1840_1843del on transcript NM_001378743.1 (MANE Select); coding-DNA positions 1840 to 1843, 4 bases deleted (AGTT; older notation c.1840_1843delAGTT).
Protein change: p.Ser614fs; shifts the reading frame from serine 614.
Molecular consequence: frameshift variant. On other transcripts: non-coding transcript variant (1).
Genome position (GRCh38, 1-based): chr16:50,784,342-50,784,345, AGTT deleted; deleting any 4 consecutive bases within chr16:50,784,340-50,784,345 gives the same sequence; the c. name uses the placement nearest the transcript's 3' end. VCF-style (leftmost placement, unchanged base first): chr16-50784339-TTTAG-T. GRCh37 (hg19) VCF-style: chr16-50818250-TTTAG-T.
Other names: c.1831_1834del, p.Ser611fs (NM_001042355.2, NM_001042412.3, NM_001378744.1 and 6 more transcripts); c.1801_1804del, p.Ser601fs (NM_001378751.1, NM_001378752.1, NM_001378753.1); c.1165_1168del, p.Ser389fs (NM_001378754.1, NM_001378755.1); c.1840_1843del, p.Ser614fs (NM_015247.3); short protein forms S389fs, S611fs, S601fs, S614fs.
Identifiers: ClinVar variation 3652898 (VCV003652898.2).

ClinVar aggregate classification (germline): Pathogenic (1 of 4 stars; one submission).

Submission:

Labcorp Genetics (formerly Invitae), Labcorp
Classification: Pathogenic. Last evaluated: 2024-05-10. Review status: criteria provided, single submitter. Criteria: Invitae Variant Classification Sherloc (09022015). Collection method: clinical testing. Allele origin: germline.
Comment: This sequence change creates a premature translational stop signal (p.Ser614Leufs*16) in the CYLD gene. It is expected to result in an absent or disrupted protein product. Loss-of-function variants in CYLD are known to be pathogenic (PMID: 19462465). This variant is not present in population databases (gnomAD no frequency). This variant has not been reported in the literature in individuals affected with CYLD-related conditions. For these reasons, this variant has been classified as Pathogenic.

Literature cited by the submitters: PubMed 19462465.